The following is an entry in ClinVar:

NM_006648.4(WNK2):c.5962G>C (p.Asp1988His)

Gene: WNK2 (WNK lysine deficient protein kinase 2; plus strand). Cytogenetic location: 9q22.31.
Variant type: single nucleotide variant.
Coding change: c.5962G>C on transcript NM_006648.4 (MANE Select); coding-DNA position 5962, G replaced by C.
Protein change: p.Asp1988His; replaces aspartic acid 1988 with histidine.
Molecular consequence: missense variant.
Genome position (GRCh38, 1-based): chr9:93,299,108, G>C. VCF-style: chr9-93299108-G-C. GRCh37 (hg19) VCF-style: chr9-96061390-G-C.
Other names: c.6073G>C, p.Asp2025His (NM_001282394.3); short protein forms D1988H, D2025H.
Identifiers: ClinVar variation 4842078 (VCV004842078.1).

ClinVar aggregate classification (germline): Uncertain significance (1 of 4 stars; one submission).

gnomAD v4.1: 1 of 1,611,540 alleles (0.000062%); highest among the groups gnomAD compares: Non-Finnish European, 0.000085%; no homozygotes.

Submission:

Ambry Genetics
Classification: Uncertain significance. Last evaluated: 2025-12-17. Review status: criteria provided, single submitter. Criteria: Ambry Variant Classification Scheme 2023. Collection method: clinical testing. Allele origin: germline.
Comment: The p.D1988H variant (also known as c.5962G>C), located in coding exon 24 of the WNK2 gene, results from a G to C substitution at nucleotide position 5962. The aspartic acid at codon 1988 is replaced by histidine, an amino acid with similar properties. This amino acid position is conserved. In addition, the in silico prediction for this alteration is inconclusive. Based on the available evidence, the clinical significance of this variant remains unclear.